The following is an entry in ClinVar:

ClinVar aggregate classification (germline): Uncertain significance. Review status: criteria provided, multiple submitters, no conflicts (2 of 4 stars). 2 submissions from 2 submitters: Uncertain significance (2). Last evaluated 2023-06-29.

Conditions:
Neuronal ceroid lipofuscinosis 1 (CLN1). Also called: CEROID LIPOFUSCINOSIS, NEURONAL, 1, VARIABLE AGE AT ONSET; PPT1-Related Neuronal Ceroid-Lipofuscinosis. Identifiers: Orphanet 228329, MedGen C1850451, MONDO:0009744, OMIM 256730.
Inborn genetic diseases. Identifiers: MedGen C0950123, MeSH D030342.

Allele frequency attached by ClinVar (database versions not stated): ExAC 0.00001; TOPMed 0.00001.
gnomAD v4.1: 5 of 1,614,186 alleles (0.00031%); highest among the groups gnomAD compares: Non-Finnish European, 0.00025%; no homozygotes.

Submissions (2):

Ambry Genetics
Classification: Uncertain significance for Inborn genetic diseases. Last evaluated: 2023-06-29. Review status: criteria provided, single submitter. Criteria: Ambry Variant Classification Scheme 2023. Collection method: clinical testing. Allele origin: germline.

Labcorp Genetics (formerly Invitae), Labcorp
Classification: Uncertain significance for Neuronal ceroid lipofuscinosis 1. Last evaluated: 2022-06-14. Review status: criteria provided, single submitter. Criteria: Invitae Variant Classification Sherloc (09022015). Collection method: clinical testing. Allele origin: germline.
Comment: This sequence change replaces aspartic acid, which is acidic and polar, with valine, which is neutral and non-polar, at codon 275 of the PPT1 protein (p.Asp275Val). This variant is present in population databases (rs775402028, gnomAD 0.0009%). This variant has not been reported in the literature in individuals affected with PPT1-related conditions. Advanced modeling of protein sequence and biophysical properties (such as structural, functional, and spatial information, amino acid conservation, physicochemical variation, residue mobility, and thermodynamic stability) performed at Invitae indicates that this missense variant is expected to disrupt PPT1 protein function. In summary, the available evidence is currently insufficient to determine the role of this variant in disease. Therefore, it has been classified as a Variant of Uncertain Significance.

NM_000310.4(PPT1):c.824A>T (p.Asp275Val)

Gene: PPT1 (palmitoyl-protein thioesterase 1; minus strand). Cytogenetic location: 1p34.2.
Variant type: single nucleotide variant.
Coding change: c.824A>T on transcript NM_000310.4 (MANE Select); coding-DNA position 824, A replaced by T.
Protein change: p.Asp275Val; replaces aspartic acid 275 with valine.
Molecular consequence: missense variant.
Genome position (GRCh38, 1-based): chr1:40,074,158, T>A on the plus strand (A>T on the coding strand, the complement: PPT1 is on the minus strand). VCF-style: chr1-40074158-T-A. GRCh37 (hg19) VCF-style: chr1-40539830-T-A.
Other names: c.515A>T, p.Asp172Val (NM_001142604.2); c.752A>T, p.Asp251Val (NM_001363695.2); c.824A>T (NM_000310.3); short protein forms D172V, D251V, D275V.
Identifiers: ClinVar variation 1400941 (VCV001400941.6), dbSNP rs775402028, ClinGen allele CA789550.
Genomic context (GRCh38, chr1:40,074,158, plus strand): 5'-TCTTCAGACAACTGAAGATGGTCCCCTTCTGTAGCCAGAAACACTAGCTGTCCTGCATTG[T>A]CCATTTCCTTTAGCCCCAGGCGGTCCTGCAGAAGGAAAGGCCATAATTAATTAAAAAGCT-3'
Protein context (NP_000301.1, residues 265-285): TQDRLGLKEM[Asp275Val]NAGQLVFLAT